The following is an entry in ClinVar:

ClinVar aggregate classification (germline): Likely benign (1 of 4 stars; one submission).

Conditions:
LSR-related condition.

Submission:

PreventionGenetics, part of Exact Sciences
Classification: Likely benign for LSR-related condition. Last evaluated: 2026-07-20. Review status: criteria provided, single submitter. Criteria: ACMG Guidelines, 2015. Collection method: clinical testing. Allele origin: germline.
Comment: This variant is classified as likely benign based on ACMG/AMP sequence variant interpretation guidelines (Richards et al. 2015 PMID: 25741868, with internal and published modifications).

NM_205834.3(LSR):c.-5C>T

Gene: LSR (lipolysis stimulated lipoprotein receptor; plus strand). Cytogenetic location: 19q13.12.
Variant type: single nucleotide variant.
Coding change: c.-5C>T on transcript NM_205834.3; 5 bases upstream of the start codon, C replaced by T.
Genome position (GRCh38, 1-based): chr19:35,248,874, C>T. VCF-style: chr19-35248874-C-T. GRCh37 (hg19) VCF-style: chr19-35739777-C-T.
Identifiers: ClinVar variation 4983357 (VCV004983357.1).